The following is an entry in ClinVar:

ClinVar aggregate classification (germline): Uncertain significance. Review status: criteria provided, multiple submitters, no conflicts (2 of 4 stars). 3 submissions from 3 submitters: Uncertain significance (3). Last evaluated 2025-11-26.

Conditions:
Hereditary cancer-predisposing syndrome. Also called: Neoplastic Syndromes, Hereditary; Hereditary Cancer Syndrome; Hereditary neoplastic syndrome; Tumor predisposition. Identifiers: Orphanet 140162, MedGen C0027672, MeSH D009386, MONDO:0015356.
Ataxia-telangiectasia syndrome (AT). Also called: Cerebello-oculocutaneous telangiectasia; Immunodeficiency with ataxia telangiectasia; Ataxia-telangiectasia, complementation group D; AT, COMPLEMENTATION GROUP C; ATAXIA-TELANGIECTASIA, FRESNO VARIANT; ATAXIA-TELANGIECTASIA, COMPLEMENTATION GROUP A. Identifiers: Orphanet 100, MedGen C0004135, MONDO:0008840, OMIM 208900.

Submissions (3):

Labcorp Genetics (formerly Invitae), Labcorp
Classification: Uncertain significance for Ataxia-telangiectasia syndrome. Last evaluated: 2025-11-26. Review status: criteria provided, single submitter. Criteria: Invitae Variant Classification Sherloc (09022015). Collection method: clinical testing. Allele origin: germline.
Comment: This sequence change replaces threonine, which is neutral and polar, with alanine, which is neutral and non-polar, at codon 127 of the ATM protein (p.Thr127Ala). This variant is not present in population databases (gnomAD no frequency). This missense change has been observed in individual(s) with a personal and/or family history of breast and/or ovarian cancer (PMID: 27878467). ClinVar contains an entry for this variant (Variation ID: 141432). Invitae Evidence Modeling of protein sequence and biophysical properties (such as structural, functional, and spatial information, amino acid conservation, physicochemical variation, residue mobility, and thermodynamic stability) indicates that this missense variant is not expected to disrupt ATM protein function with a negative predictive value of 95%. In summary, the available evidence is currently insufficient to determine the role of this variant in disease. Therefore, it has been classified as a Variant of Uncertain Significance.

Ambry Genetics
Classification: Uncertain significance for Hereditary cancer-predisposing syndrome. Last evaluated: 2025-07-03. Review status: criteria provided, single submitter. Criteria: Ambry Variant Classification Scheme 2023. Collection method: clinical testing. Allele origin: germline.
Comment: The p.T127A variant (also known as c.379A>G), located in coding exon 4 of the ATM gene, results from an A to G substitution at nucleotide position 379. The threonine at codon 127 is replaced by alanine, an amino acid with similar properties. This alteration has been detected in a cohort of 122 patients who underwent multi-gene panel testing for hereditary cancer after having previously tested negative for mutations in BRCA1 and BRCA2 (Yadav S et al. Fam. Cancer 2017 07;16:319-328). This amino acid position is not well conserved in available vertebrate species. In addition, this alteration is predicted to be tolerated by in silico analysis. Based on the available evidence, the clinical significance of this variant remains unclear.

Color Diagnostics, LLC DBA Color Health
Classification: Uncertain significance for Hereditary cancer-predisposing syndrome. Last evaluated: 2024-08-12. Review status: criteria provided, single submitter. Criteria: ACMG Guidelines, 2015. Collection method: clinical testing. Allele origin: germline.
Comment: This missense variant replaces threonine with alanine at codon 127 of the ATM protein. Computational prediction suggests that this variant may not impact protein structure and function. To our knowledge, functional studies have not been reported for this variant. This variant has not been reported in individuals affected with ATM-related disorders in the literature. This variant has not been identified in the general population by the Genome Aggregation Database (gnomAD). The available evidence is insufficient to determine the role of this variant in disease conclusively. Therefore, this variant is classified as a Variant of Uncertain Significance.

Literature cited by the submitters: PubMed 27878467 (cited by Labcorp Genetics (formerly Invitae), Labcorp and Ambry Genetics).

NM_000051.4(ATM):c.379A>G (p.Thr127Ala)

Gene: ATM (ATM serine/threonine kinase; plus strand). Cytogenetic location: 11q22.3.
Variant type: single nucleotide variant.
Coding change: c.379A>G on transcript NM_000051.4 (MANE Select); coding-DNA position 379, A replaced by G.
Protein change: p.Thr127Ala; replaces threonine 127 with alanine.
Molecular consequence: missense variant.
Genome position (GRCh38, 1-based): chr11:108,235,717, A>G. VCF-style: chr11-108235717-A-G. GRCh37 (hg19) VCF-style: chr11-108106444-A-G.
Other names: c.379A>G, p.Thr127Ala (NM_001351834.2); short protein forms T127A.
Identifiers: ClinVar variation 141432 (VCV000141432.15), dbSNP rs587781741, ClinGen allele CA165392.